The following is an entry in ClinVar:

ClinVar aggregate classification (germline): Pathogenic (1 of 4 stars; one submission).

Submission:

CeGaT Center for Human Genetics Tuebingen
Classification: Pathogenic. Last evaluated: 2026-03-01. Review status: criteria provided, single submitter. Criteria: CeGaT Center For Human Genetics Tuebingen Variant Classification Criteria Version 2. Collection method: clinical testing. Allele origin: germline. Affected: yes. Observed: 1 variant allele.
Comment: KAT6A: PVS1, PM2

NM_006766.5(KAT6A):c.443del (p.Arg148fs)

Gene: KAT6A (lysine acetyltransferase 6A; minus strand). Cytogenetic location: 8p11.21.
Variant type: Deletion.
Coding change: c.443del on transcript NM_006766.5 (MANE Select); coding-DNA position 443, one base deleted (G; older notation c.443delG).
Protein change: p.Arg148fs; shifts the reading frame from arginine 148.
Molecular consequence: frameshift variant.
Genome position (GRCh38, 1-based): chr8:42,048,535, C deleted on the plus strand (G on the coding strand, the reverse complement: KAT6A is on the minus strand). VCF-style (leftmost placement, unchanged base first): chr8-42048534-TC-T. GRCh37 (hg19) VCF-style: chr8-41906052-TC-T.
Other names: c.443del, p.Arg148fs (NM_001305878.2); short protein forms R148fs.
Identifiers: ClinVar variation 4823713 (VCV004823713.4).